The following is an entry in ClinVar:

ClinVar aggregate classification (germline): Pathogenic. Review status: criteria provided, multiple submitters, no conflicts (2 of 4 stars). 3 submissions from 3 submitters: Pathogenic (3). Last evaluated 2025-12-12.

Conditions:
Inborn genetic diseases. Identifiers: MedGen C0950123, MeSH D030342.
Spondyloepimetaphyseal dysplasia, PAPSS2 type. Also called: SEMD, PAKISTANI TYPE; BRACHYOLMIA TYPE 4 WITH MILD EPIPHYSEAL AND METAPHYSEAL CHANGES; SPONDYLODYSPLASIA AND PREMATURE PUBARCHE. Identifiers: Orphanet 93282, MedGen C2748516, MONDO:0019666, OMIM 612847.

Allele frequency attached by ClinVar (database versions not stated): 1000 Genomes Project 30x 0.00016; 1000 Genomes Project 0.00020.
gnomAD v4.1: 16 of 1,614,164 alleles (0.00099%); highest among the groups gnomAD compares: African/African-American, 0.0013%; no homozygotes.

Submissions (3):

Ambry Genetics
Classification: Pathogenic for Inborn genetic diseases. Last evaluated: 2025-12-12. Review status: criteria provided, single submitter. Criteria: Ambry Variant Classification Scheme 2023. Collection method: clinical testing. Allele origin: germline.
Comment: The c.1461T>A (p.Y487*) alteration, located in exon 10 (coding exon 10) of the PAPSS2 gene, consists of a T to A substitution at nucleotide position 1461. This changes the amino acid from a tyrosine (Y) to a stop codon at amino acid position 487. This alteration is expected to result in loss of function by premature protein truncation or nonsense-mediated mRNA decay. Based on data from gnomAD, the A allele has an overall frequency of <0.001% (1/249298) total alleles studied. The highest observed frequency was 0.001% (1/111644) of European (non-Finnish) alleles. Based on the available evidence, this alteration is classified as pathogenic.

Labcorp Genetics (formerly Invitae), Labcorp
Classification: Pathogenic for Spondyloepimetaphyseal dysplasia, PAPSS2 type. Last evaluated: 2024-06-25. Review status: criteria provided, single submitter. Criteria: Invitae Variant Classification Sherloc (09022015). Collection method: clinical testing. Allele origin: germline.
Comment: This sequence change creates a premature translational stop signal (p.Tyr492*) in the PAPSS2 gene. It is expected to result in an absent or disrupted protein product. Loss-of-function variants in PAPSS2 are known to be pathogenic (PMID: 22791835, 23633440). This variant is not present in population databases (gnomAD no frequency). This premature translational stop signal has been observed in individual(s) with PAPSS2-related conditions (Invitae). ClinVar contains an entry for this variant (Variation ID: 988297). For these reasons, this variant has been classified as Pathogenic.

Clinical Genetics and Genomics, Karolinska University Hospital
Classification: Pathogenic. Last evaluated: 2015-11-06. Review status: criteria provided, single submitter. Criteria: ACMG Guidelines, 2015. Collection method: clinical testing. Allele origin: germline. Affected: yes. Observed: 2 variant alleles.

Literature cited by the submitters: PubMed 22791835 (cited by Labcorp Genetics (formerly Invitae), Labcorp); PubMed 23633440 (cited by Labcorp Genetics (formerly Invitae), Labcorp).

NM_001015880.2(PAPSS2):c.1476T>A (p.Tyr492Ter)

Gene: PAPSS2 (3'-phosphoadenosine 5'-phosphosulfate synthase 2; plus strand). Cytogenetic location: 10q23.31.
Variant type: single nucleotide variant.
Coding change: c.1476T>A on transcript NM_001015880.2 (MANE Select); coding-DNA position 1476, T replaced by A.
Protein change: p.Tyr492Ter; replaces tyrosine 492 with a stop codon.
Molecular consequence: nonsense.
Genome position (GRCh38, 1-based): chr10:87,743,626, T>A. VCF-style: chr10-87743626-T-A. GRCh37 (hg19) VCF-style: chr10-89503383-T-A.
Other names: c.1461T>A (NM_004670.3); c.1461T>A, p.Tyr487Ter (NM_004670.4); short protein forms Y487*, Y492*.
Identifiers: ClinVar variation 988297 (VCV000988297.11), dbSNP rs185351326, ClinGen allele CA211240987.